The following is an entry in ClinVar:

ClinVar aggregate classification (germline): Uncertain significance. Review status: criteria provided, multiple submitters, no conflicts (2 of 4 stars). 2 submissions from 2 submitters: Uncertain significance (2). Last evaluated 2025-03-18.

Conditions:
RYR1-related disorder. Also called: RYR1-related condition; RYR1-related disorders. Identifiers: MedGen CN239331.
Malignant hyperthermia, susceptibility to, 1 (MHS1). Also called: RYR1-Related Malignant Hyperthermia Susceptibility; Anesthesia related hyperthermia; Malignant hyperpyrexia; Fulminating hyperpyrexia; Pharmacogenic myopathy; Malignant hyperthermia suceptibility 1. Identifiers: Orphanet 423, MedGen C2930980, MONDO:0007783, OMIM 145600.

Allele frequency attached by ClinVar (database versions not stated): gnomAD exomes 0.00001.
gnomAD v4.1: 12 of 1,614,086 alleles (0.00074%); highest among the groups gnomAD compares: South Asian, 0.0022%; no homozygotes.

Submissions (2):

Labcorp Genetics (formerly Invitae), Labcorp
Classification: Uncertain significance for RYR1-related disorder. Last evaluated: 2025-03-18. Review status: criteria provided, single submitter. Criteria: Invitae Variant Classification Sherloc (09022015). Collection method: clinical testing. Allele origin: germline.
Comment: This sequence change replaces methionine, which is neutral and non-polar, with leucine, which is neutral and non-polar, at codon 2178 of the RYR1 protein (p.Met2178Leu). This variant is not present in population databases (gnomAD no frequency). This variant has not been reported in the literature in individuals affected with RYR1-related conditions. ClinVar contains an entry for this variant (Variation ID: 3070269). Invitae Evidence Modeling of protein sequence and biophysical properties (such as structural, functional, and spatial information, amino acid conservation, physicochemical variation, residue mobility, and thermodynamic stability) indicates that this missense variant is not expected to disrupt RYR1 protein function with a negative predictive value of 80%. In summary, the available evidence is currently insufficient to determine the role of this variant in disease. Therefore, it has been classified as a Variant of Uncertain Significance.

All of Us Research Program, National Institutes of Health
Classification: Uncertain significance for Malignant hyperthermia, susceptibility to, 1. Last evaluated: 2023-04-03. Review status: criteria provided, single submitter. Criteria: ACMG Guidelines, 2015. Collection method: clinical testing. Allele origin: germline. Inheritance: Autosomal dominant inheritance. Observed: 1 variant allele, 1 heterozygote.
Comment: This missense variant replaces methionine with leucine at codon 2178 of the RYR1 protein. Computational prediction suggests that this variant may have deleterious impact on protein structure and function (internally defined REVEL score threshold >= 0.7, PMID: 27666373). To our knowledge, functional studies have not been reported for this variant. This variant has not been reported in individuals affected with RYR1-related disorders in the literature. This variant has not been identified in the general population by the Genome Aggregation Database (gnomAD). The available evidence is insufficient to determine the role of this variant in disease conclusively. Therefore, this variant is classified as a Variant of Uncertain Significance.

This study involves interpretation of variants in research participants for the purpose of population health screening. Participant phenotype was not available at the time of variant classification. Additional details can be found in publication PMID: 35346344, PMCID: PMC8962531

NM_000540.3(RYR1):c.6532A>C (p.Met2178Leu)

Gene: RYR1 (ryanodine receptor 1; plus strand). Cytogenetic location: 19q13.2.
Variant type: single nucleotide variant.
Coding change: c.6532A>C on transcript NM_000540.3 (MANE Select); coding-DNA position 6532, A replaced by C.
Protein change: p.Met2178Leu; replaces methionine 2178 with leucine.
Molecular consequence: missense variant.
Genome position (GRCh38, 1-based): chr19:38,494,609, A>C. VCF-style: chr19-38494609-A-C. GRCh37 (hg19) VCF-style: chr19-38985249-A-C.
Other names: c.6532A>C, p.Met2178Leu (NM_001042723.2); short protein forms M2178L.
Identifiers: ClinVar variation 3070269 (VCV003070269.2), dbSNP rs1969721474, ClinGen allele CA405664434.